The following is an entry in ClinVar:

NM_001242896.3(DEPDC5):c.2883G>T (p.Glu961Asp)

Gene: DEPDC5 (DEP domain containing 5, GATOR1 subcomplex subunit; plus strand). Cytogenetic location: 22q12.3.
Variant type: single nucleotide variant.
Coding change: c.2883G>T on transcript NM_001242896.3 (MANE Select); coding-DNA position 2883, G replaced by T.
Protein change: p.Glu961Asp; replaces glutamic acid 961 with aspartic acid.
Molecular consequence: missense variant. On other transcripts: non-coding transcript variant (5).
Genome position (GRCh38, 1-based): chr22:31,845,099, G>T. VCF-style: chr22-31845099-G-T. GRCh37 (hg19) VCF-style: chr22-32241085-G-T.
Other names: c.2856G>T, p.Glu952Asp (NM_001136029.4, NM_001369903.1, NM_014662.6); c.2649G>T, p.Glu883Asp (NM_001242897.2, NM_001363854.2, NM_001364319.2); c.2883G>T, p.Glu961Asp (NM_001363852.2, NM_001364318.2, NM_001364320.2); c.2799G>T, p.Glu933Asp (NM_001369901.1, NM_001369902.1); short protein forms E883D, E952D, E961D, E933D.
Identifiers: ClinVar variation 3700859 (VCV003700859.2).
Genomic context (GRCh38, chr22:31,845,099, plus strand): 5'-CTGGAGGACCCGCTTCCTGCTGCTGCCAGCCTGTGTCACCGCCACCAAGCGCATCACGGA[G>T]GGGGAGGCCCACTGCGACATCTATGGGGACAGGCCCCGTGCAGACGAGGACGAGTGGCAA-3'
Protein context (NP_001229825.1, residues 951-971): ACVTATKRIT[Glu961Asp]GEAHCDIYGD

ClinVar aggregate classification (germline): Uncertain significance (1 of 4 stars; one submission).

Conditions:
Familial focal epilepsy with variable foci (FPEVF). Identifiers: Orphanet 98820, MedGen C1858477, MONDO:0020310.

gnomAD v4.1: 1 of 1,614,144 alleles (0.000062%); highest among the groups gnomAD compares: Middle Eastern, 0.017%; no homozygotes.

Submission:

Labcorp Genetics (formerly Invitae), Labcorp
Classification: Uncertain significance for Familial focal epilepsy with variable foci. Last evaluated: 2024-04-16. Review status: criteria provided, single submitter. Criteria: Invitae Variant Classification Sherloc (09022015). Collection method: clinical testing. Allele origin: germline.
Comment: This sequence change replaces glutamic acid, which is acidic and polar, with aspartic acid, which is acidic and polar, at codon 961 of the DEPDC5 protein (p.Glu961Asp). This variant is not present in population databases (gnomAD no frequency). This variant has not been reported in the literature in individuals affected with DEPDC5-related conditions. Experimental studies and prediction algorithms are not available or were not evaluated, and the functional significance of this variant is currently unknown. In summary, the available evidence is currently insufficient to determine the role of this variant in disease. Therefore, it has been classified as a Variant of Uncertain Significance.